The following is an entry in ClinVar:

ClinVar aggregate classification (germline): Uncertain significance (1 of 4 stars; one submission).

gnomAD v4.1: 1 of 1,211,925 alleles (0.000083%); highest among the groups gnomAD compares: African/African-American, 0.0017%; no homozygotes.

Submission:

Labcorp Genetics (formerly Invitae), Labcorp
Classification: Uncertain significance. Last evaluated: 2025-09-10. Review status: criteria provided, single submitter. Criteria: Invitae Variant Classification Sherloc (09022015). Collection method: clinical testing. Allele origin: germline.
Comment: This sequence change replaces alanine, which is neutral and non-polar, with threonine, which is neutral and polar, at codon 1674 of the COL4A6 protein (p.Ala1674Thr). This variant is not present in population databases (gnomAD no frequency). This variant has not been reported in the literature in individuals affected with COL4A6-related conditions. Invitae Evidence Modeling of protein sequence and biophysical properties (such as structural, functional, and spatial information, amino acid conservation, physicochemical variation, residue mobility, and thermodynamic stability) indicates that this missense variant is not expected to disrupt COL4A6 protein function with a negative predictive value of 80%. In summary, the available evidence is currently insufficient to determine the role of this variant in disease. Therefore, it has been classified as a Variant of Uncertain Significance.

NM_033641.4(COL4A6):c.5017G>A (p.Ala1673Thr)

Gene: COL4A6 (collagen type IV alpha 6 chain; minus strand). Cytogenetic location: Xq22.3.
Variant type: single nucleotide variant.
Coding change: c.5017G>A on transcript NM_033641.4 (MANE Select); coding-DNA position 5017, G replaced by A.
Protein change: p.Ala1673Thr; replaces alanine 1673 with threonine.
Molecular consequence: missense variant.
Genome position (GRCh38, 1-based): chrX:108,157,056, C>T on the plus strand (G>A on the coding strand, the complement: COL4A6 is on the minus strand). VCF-style: chrX-108157056-C-T. GRCh37 (hg19) VCF-style: chrX-107400286-C-T.
Other names: c.5020G>A, p.Ala1674Thr (NM_001847.4); c.5068G>A, p.Ala1690Thr (NM_001287758.2); c.4945G>A, p.Ala1649Thr (NM_001287759.2); c.4846G>A, p.Ala1616Thr (NM_001287760.2); short protein forms A1649T, A1673T, A1690T, A1616T, A1674T.
Identifiers: ClinVar variation 4737372 (VCV004737372.1).